The following is an entry in ClinVar:

ClinVar aggregate classification (germline): Likely benign (1 of 4 stars; one submission).

gnomAD v4.1: 29 of 1,613,724 alleles (0.0018%); highest among the groups gnomAD compares: Non-Finnish European, 0.0023%; no homozygotes.

Submission:

CeGaT Center for Human Genetics Tuebingen
Classification: Likely benign. Last evaluated: 2025-01-01. Review status: criteria provided, single submitter. Criteria: CeGaT Center For Human Genetics Tuebingen Variant Classification Criteria Version 2. Collection method: clinical testing. Allele origin: germline. Affected: yes. Observed: 1 variant allele.
Comment: MED12L: BP4, BP7

NM_001393769.1(MED12L):c.1209C>T (p.Ala403=)

Gene: MED12L (mediator complex subunit 12L; plus strand). Cytogenetic location: 3q25.1.
Variant type: single nucleotide variant.
Coding change: c.1209C>T on transcript NM_001393769.1 (MANE Select); coding-DNA position 1209, C replaced by T.
Protein change: p.Ala403=; no amino-acid change (alanine 403 retained).
Molecular consequence: synonymous variant.
Genome position (GRCh38, 1-based): chr3:151,163,994, C>T. VCF-style: chr3-151163994-C-T. GRCh37 (hg19) VCF-style: chr3-150881781-C-T.
Other names: c.1209C>T, p.Ala403= (NM_053002.6).
Identifiers: ClinVar variation 3771893 (VCV003771893.13).